The following is an entry in ClinVar:

ClinVar aggregate classification (germline): Uncertain significance (1 of 4 stars; one submission).

Conditions:
SPTA1-related disorder. Also called: SPTA1-related condition; SPTA1-related disorders.

Submission:

PreventionGenetics, part of Exact Sciences
Classification: Uncertain significance for SPTA1-related condition. Last evaluated: 2023-05-26. Review status: criteria provided, single submitter. Criteria: ACMG Guidelines, 2015. Collection method: clinical testing. Allele origin: germline.
Comment: The SPTA1 c.7139T>C variant is predicted to result in the amino acid substitution p.Leu2380Pro. To our knowledge, this variant has not been reported in the literature or in a large population database, indicating this variant is rare. At this time, the clinical significance of this variant is uncertain due to the absence of conclusive functional and genetic evidence.

NM_003126.4(SPTA1):c.7139T>C (p.Leu2380Pro)

Genes: OR10Z1 (olfactory receptor family 10 subfamily Z member 1; plus strand), SPTA1 (spectrin alpha, erythrocytic 1; minus strand). Cytogenetic location: 1q23.1.
Variant type: single nucleotide variant.
Coding change: c.7139T>C on transcript NM_003126.4 (MANE Select); coding-DNA position 7139, T replaced by C.
Protein change: p.Leu2380Pro; replaces leucine 2380 with proline.
Molecular consequence: missense variant. On other transcripts: 3 prime UTR variant (1).
Genome position (GRCh38, 1-based): chr1:158,611,385, A>G on the plus strand (T>C on the coding strand, the complement: SPTA1 is on the minus strand). VCF-style: chr1-158611385-A-G. GRCh37 (hg19) VCF-style: chr1-158581175-A-G.
Other names: c.*4005A>G (NM_001004478.2); short protein forms L2380P.
Identifiers: ClinVar variation 2632185 (VCV002632185.1), dbSNP rs2526152821, ClinGen allele CA343010465.
Genomic context (GRCh38, chr1:158,611,385, plus strand): 5'-CCCCGTGGGTCCATATATTGCTGCATATGTGTGGCACAGAATGACACTTGCTCTGGGGTA[A>G]GGGCCTGAAAAGTATAAAAAGAGAAAAATACAGTTATAGGGATTCAAAATAGCTGGTTCC-3'
Protein context (NP_003117.2, residues 2370-2390): YITKEDMKQA[Leu2380Pro]TPEQVSFCAT